The following is an entry in ClinVar:

NM_024715.4(TXNDC15):c.376G>A (p.Val126Ile)

Gene: TXNDC15 (thioredoxin domain containing 15; plus strand). Cytogenetic location: 5q31.1.
Variant type: single nucleotide variant.
Coding change: c.376G>A on transcript NM_024715.4 (MANE Select); coding-DNA position 376, G replaced by A.
Protein change: p.Val126Ile; replaces valine 126 with isoleucine.
Molecular consequence: missense variant.
Genome position (GRCh38, 1-based): chr5:134,887,967, G>A. VCF-style: chr5-134887967-G-A. GRCh37 (hg19) VCF-style: chr5-134223657-G-A.
Other names: c.376G>A (NM_024715.3); c.172G>A, p.Val58Ile (NM_001350735.2); short protein forms V126I, V58I.
Identifiers: ClinVar variation 1591360 (VCV001591360.10), dbSNP rs149625993, ClinGen allele CA3416835.
Genomic context (GRCh38, chr5:134,887,967, plus strand): 5'-AGTTCAGAGCCTAGCGGCGTCACCTGTGGTGCTGGAGGAGCGGAGGACTCAAGGTGCAAC[G>A]TCCGAGAGAGCCTTTTCTCTCTGGATGGCGCTGGAGCACACTTCCCTGACAGAGAAGAGG-3'
Protein context (NP_078991.3, residues 116-136): AGGAEDSRCN[Val126Ile]RESLFSLDGA

ClinVar aggregate classification (germline): Conflicting classifications of pathogenicity. Review status: criteria provided, conflicting classifications (1 of 4 stars). 3 submissions from 3 submitters: Uncertain significance (1); Benign (1); Likely benign (1). Last evaluated 2024-12-03.

Conditions:
Inborn genetic diseases. Identifiers: MedGen C0950123, MeSH D030342.
TXNDC15-related disorder. Also called: TXNDC15-related condition.

Allele frequency attached by ClinVar (database versions not stated): ESP Exome Variant Server 0.00023; gnomAD exomes 0.00033 and 0.00052; ExAC 0.00038; gnomAD 0.00041 and 0.00044; TOPMed 0.00045; 1000 Genomes Project 30x 0.00078; 1000 Genomes Project 0.00080.
gnomAD v4.1: 577 of 1,614,206 alleles (0.036%); highest among the groups gnomAD compares: East Asian, 0.085%; 2 homozygotes.

Submissions (3):

PreventionGenetics, part of Exact Sciences
Classification: Likely benign for TXNDC15-related condition. Last evaluated: 2024-12-03. Review status: criteria provided, single submitter. Criteria: ACMG Guidelines, 2015. Collection method: clinical testing. Allele origin: germline.
Comment: This variant is classified as likely benign based on ACMG/AMP sequence variant interpretation guidelines (Richards et al. 2015 PMID: 25741868, with internal and published modifications).

Labcorp Genetics (formerly Invitae), Labcorp
Classification: Benign. Last evaluated: 2024-11-30. Review status: criteria provided, single submitter. Criteria: Invitae Variant Classification Sherloc (09022015). Collection method: clinical testing. Allele origin: germline.

Ambry Genetics
Classification: Uncertain significance for Inborn genetic diseases. Last evaluated: 2021-09-16. Review status: criteria provided, single submitter. Criteria: Ambry Variant Classification Scheme 2023. Collection method: clinical testing. Allele origin: germline.